The following is an entry in ClinVar:

NM_002473.6(MYH9):c.289G>T (p.Val97Leu)

Gene: MYH9 (myosin heavy chain 9; minus strand). Cytogenetic location: 22q12.3.
Variant type: single nucleotide variant.
Coding change: c.289G>T on transcript NM_002473.6 (MANE Select); coding-DNA position 289, G replaced by T.
Protein change: p.Val97Leu; replaces valine 97 with leucine.
Molecular consequence: missense variant.
Genome position (GRCh38, 1-based): chr22:36,348,948, C>A on the plus strand (G>T on the coding strand, the complement: MYH9 is on the minus strand). VCF-style: chr22-36348948-C-A. GRCh37 (hg19) VCF-style: chr22-36744993-C-A.
Other names: short protein forms V97L.
Identifiers: ClinVar variation 1925064 (VCV001925064.8), dbSNP rs781771309, ClinGen allele CA323963239.

ClinVar aggregate classification (germline): Uncertain significance. Review status: criteria provided, multiple submitters, no conflicts (2 of 4 stars). 3 submissions from 3 submitters: Uncertain significance (3). Last evaluated 2026-06-01.

Conditions:
Macrothrombocytopenia and granulocyte inclusions with or without nephritis or sensorineural hearing loss (MATINS). Also called: BLEEDING DISORDER, PLATELET-TYPE, 6; SEBASTIAN PLATELET SYNDROME; MACROTHROMBOCYTOPENIA WITH DISPERSED LEUKOCYTIC INCLUSIONS; MACROTHROMBOCYTOPENIA, NEPHRITIS, AND DEAFNESS; MACROTHROMBOCYTOPENIA, NEPHRITIS, DEAFNESS, AND LEUKOCYTE INCLUSIONS; ALPORT SYNDROME WITH MACROTHROMBOCYTOPENIA. Identifiers: Orphanet 182050, MedGen C5200934, MONDO:0015912, OMIM 155100.

Allele frequency attached by ClinVar (database versions not stated): gnomAD exomes below 0.00001; TOPMed 0.00002.
gnomAD v4.1: 4 of 1,613,994 alleles (0.00025%); highest among the groups gnomAD compares: Admixed American, 0.005%; no homozygotes.

Submissions (3):

Victorian Clinical Genetics Services, Murdoch Childrens Research Institute
Classification: Uncertain significance for Macrothrombocytopenia and granulocyte inclusions with or without nephritis or sensorineural hearing loss. Last evaluated: 2026-06-01. Review status: criteria provided, single submitter. Criteria: ACMG Guidelines, 2015. Collection method: clinical testing. Allele origin: germline. Affected: yes.
Comment: This variant is classified as VUS-3A. Evidence in support of pathogenic classification: Variant is present in gnomAD <0.001 for a dominant condition (v4: 4 heterozygote(s), 0 homozygote(s)); Missense variant predicted to be damaging by in silico tool(s) or highly conserved with a major amino acid change. Additional information: Variant is predicted to result in a missense amino acid change from Val to Leu; This variant is heterozygous; This gene is associated with autosomal dominant disease; Alternative amino acid change(s) at the same position are present in gnomAD (highest allele count: v4: 1 heterozygote(s), 0 homozygote(s)); Previous evidence of pathogenicity for this variant is inconclusive. This variant has been classified as a VUS by a clinical laboratory in ClinVar. This variant has also been reported in the literature in an individual with nonsyndromic hearing loss; however, other variants in MYH9, OTOA and OTOF were identified and it is unclear which of these variants are contributing to disease (PMID: 24853665); No published evidence of segregation with disease has been identified for this variant; No published functional evidence has been identified for this variant; No comparable missense variants have previous evidence for pathogenicity; Variant is located in the annotated myosin head (motor domain) (DECIPHER); Dominant negative and loss of function are likely mechanisms of disease in this gene, and are associated with macrothrombocytopenia and granulocyte inclusions with or without nephritis or sensorineural hearing loss (MIM#155100); Variants in this gene are known to have variable expressivity. Expressivity varies for onset and severity of sensorineural deafness, glomerular nephropathy, presenile cataract, and alterations of liver enzymes (PMID: 20301740); Inheritance information for this variant is not currently available in this individual.

Dasa
Classification: Uncertain significance. Last evaluated: 2026-02-06. Review status: criteria provided, single submitter. Criteria: DASA Assertion Criteria. Collection method: clinical testing. Allele origin: germline.
Comment: NM_002473.6(MYH9):c.289G>T (p.Val97Leu) is a missense variant that results in the substitution of valine with leucine. This variant is rare in population databases. Computational prediction algorithms are consistent with a deleterious effect. The currently available literature and clinical evidence are not sufficient to establish a definitive association between this variant and the reported condition. Therefore, this variant is classified as a variant of uncertain significance.

Labcorp Genetics (formerly Invitae), Labcorp
Classification: Uncertain significance. Last evaluated: 2025-09-07. Review status: criteria provided, single submitter. Criteria: Invitae Variant Classification Sherloc (09022015). Collection method: clinical testing. Allele origin: germline.
Comment: This sequence change replaces valine, which is neutral and non-polar, with leucine, which is neutral and non-polar, at codon 97 of the MYH9 protein (p.Val97Leu). This variant is present in population databases (no rsID available, gnomAD 0.006%). This variant has not been reported in the literature in individuals affected with MYH9-related conditions. ClinVar contains an entry for this variant (Variation ID: 1925064). Invitae Evidence Modeling of protein sequence and biophysical properties (such as structural, functional, and spatial information, amino acid conservation, physicochemical variation, residue mobility, and thermodynamic stability) indicates that this missense variant is expected to disrupt MYH9 protein function with a positive predictive value of 80%. In summary, the available evidence is currently insufficient to determine the role of this variant in disease. Therefore, it has been classified as a Variant of Uncertain Significance.

Literature cited by the submitters: PubMed 24853665 (cited by Victorian Clinical Genetics Services, Murdoch Childrens Research Institute); PubMed 20301740 (cited by Victorian Clinical Genetics Services, Murdoch Childrens Research Institute).